The following is an entry in ClinVar:

ClinVar aggregate classification (germline): Conflicting classifications of pathogenicity. Review status: criteria provided, conflicting classifications (1 of 4 stars). 2 submissions from 2 submitters: Likely pathogenic (1); Uncertain significance (1). Last evaluated 2025-09-19.

Conditions:
Acromesomelic dysplasia 1, Maroteaux type (AMD1). Also called: ST. HELENA DYSPLASIA; ACROMESOMELIC DYSPLASIA 1. Identifiers: Orphanet 40, MedGen C1864356, MONDO:0011275, OMIM 602875.
Tall stature-scoliosis-macrodactyly of the great toes syndrome. Also called: Epiphyseal chondrodysplasia, miura type. Identifiers: Orphanet 329191, MedGen C4014690, MONDO:0014401, OMIM 615923.

Allele frequency attached by ClinVar (database versions not stated): gnomAD exomes 0.00001.
gnomAD v4.1: 15 of 1,614,170 alleles (0.00093%); highest among the groups gnomAD compares: Non-Finnish European, 0.00093%; no homozygotes.

Submissions (2):

Labcorp Genetics (formerly Invitae), Labcorp
Classification: Uncertain significance for Tall stature-scoliosis-macrodactyly of the great toes syndrome; Acromesomelic dysplasia 1, Maroteaux type. Last evaluated: 2025-09-19. Review status: criteria provided, single submitter. Criteria: Invitae Variant Classification Sherloc (09022015). Collection method: clinical testing. Allele origin: germline.
Comment: This sequence change replaces arginine, which is basic and polar, with tryptophan, which is neutral and slightly polar, at codon 776 of the NPR2 protein (p.Arg776Trp). This variant is present in population databases (no rsID available, gnomAD 0.002%). This missense change has been observed in individual(s) with autosomal dominant short stature and/or autosomal recessive acromesomelic dysplasia (PMID: 15146390, 34217350). ClinVar contains an entry for this variant (Variation ID: 1301658). Invitae Evidence Modeling of protein sequence and biophysical properties (such as structural, functional, and spatial information, amino acid conservation, physicochemical variation, residue mobility, and thermodynamic stability) indicates that this missense variant is expected to disrupt NPR2 protein function with a positive predictive value of 80%. Experimental studies have shown that this missense change affects NPR2 function (PMID: 18945719, 26980729). This variant disrupts the p.Arg776 amino acid residue in NPR2. Other variant(s) that disrupt this residue have been determined to be pathogenic (internal data). This suggests that this residue is clinically significant, and that variants that disrupt this residue are likely to be disease-causing. In summary, the available evidence is currently insufficient to determine the role of this variant in disease. Therefore, it has been classified as a Variant of Uncertain Significance.

Dubai Health Genomic Medicine Center, Dubai Health
Classification: Likely pathogenic for Acromesomelic dysplasia 1, Maroteaux type. Last evaluated: 2020-03-25. Review status: criteria provided, single submitter. Criteria: ACMG Guidelines, 2015. Collection method: clinical testing. Allele origin: germline. Affected: yes.
Comment: The p.Arg776Trp missense variant in NPR2 has been previously reported in the homozygous state in a patient clinically diagnosed with Acromesomelic Dysplasia Type Maroteaux (AMDM) (PMID: 15146390). This variant is observed in 2/251424 (0.0008% 0 homozygotes) total alleles across in the Genome Aggreagtion Database (gnomAD). This change affects a highly conserved arginine residue in the protein kinase domain of the NPR2 receptor. Functional studies demonstrate that this variant has defective traficking and glycosylation and reduced Guanylyl Cyclase Activity (PMID: 26980729 18945719). In summary this variant meets our criteria to be classified as Likely Pathogenic.

Literature cited by the submitters: PubMed 15146390 (cited by Labcorp Genetics (formerly Invitae), Labcorp); PubMed 34217350 (cited by Labcorp Genetics (formerly Invitae), Labcorp); PubMed 18945719 (cited by Labcorp Genetics (formerly Invitae), Labcorp); PubMed 26980729 (cited by Labcorp Genetics (formerly Invitae), Labcorp).

NM_003995.4(NPR2):c.2326C>T (p.Arg776Trp)

Gene: NPR2 (natriuretic peptide receptor 2; plus strand). Cytogenetic location: 9p13.3.
Variant type: single nucleotide variant.
Coding change: c.2326C>T on transcript NM_003995.4 (MANE Select); coding-DNA position 2326, C replaced by T.
Protein change: p.Arg776Trp; replaces arginine 776 with tryptophan.
Molecular consequence: missense variant.
Genome position (GRCh38, 1-based): chr9:35,806,187, C>T. VCF-style: chr9-35806187-C-T. GRCh37 (hg19) VCF-style: chr9-35806184-C-T.
Other names: c.2335C>T, p.Arg779Trp (NM_001378923.1); short protein forms R776W, R779W.
Identifiers: ClinVar variation 1301658 (VCV001301658.10), dbSNP rs1303913631, ClinGen allele CA373379257.